The following is an entry in ClinVar:

NM_000531.6(OTC):c.971T>C (p.Phe324Ser)

Gene: OTC (ornithine transcarbamylase; plus strand). Cytogenetic location: Xp11.4.
Variant type: single nucleotide variant.
Coding change: c.971T>C on transcript NM_000531.6 (MANE Select); coding-DNA position 971, T replaced by C.
Protein change: p.Phe324Ser; replaces phenylalanine 324 with serine.
Molecular consequence: missense variant.
Genome position (GRCh38, 1-based): chrX:38,411,965, T>C. VCF-style: chrX-38411965-T-C. GRCh37 (hg19) VCF-style: chrX-38271218-T-C.
Other names: c.971T>C, p.Phe324Ser (NM_001407092.1); short protein forms F324S.
Identifiers: ClinVar variation 3074573 (VCV003074573.1), dbSNP rs1302455529, ClinGen allele CA412726623.

ClinVar aggregate classification (germline): Uncertain significance (1 of 4 stars; one submission).

Conditions:
Ornithine carbamoyltransferase deficiency (OTCD). Also called: ORNITHINE TRANSCARBAMYLASE DEFICIENCY; ORNITHINE TRANSCARBAMYLASE DEFICIENCY, HYPERAMMONEMIA DUE TO; OTC DEFICIENCY; Ornithine Carbamoyltransferase Deficiency Disease. Identifiers: Orphanet 664, MedGen C0268542, MONDO:0010703, OMIM 311250.

Submission:

All of Us Research Program, National Institutes of Health
Classification: Uncertain significance for Ornithine carbamoyltransferase deficiency. Last evaluated: 2023-11-20. Review status: criteria provided, single submitter. Criteria: ACMG Guidelines, 2015. Collection method: clinical testing. Allele origin: germline. Inheritance: X-linked inheritance. Observed: 1 variant allele, 1 hemizygote.
Comment: This missense variant replaces phenylalanine with serine at codon 324 of the OTC protein. Computational prediction suggests that this variant may have deleterious impact on protein structure and function (internally defined REVEL score threshold >= 0.7, PMID: 27666373). To our knowledge, functional studies have not been reported for this variant. This variant has not been reported in individuals affected with OTC-related disorders in the literature. This variant has been identified in 1/183248 chromosomes in the general population by the Genome Aggregation Database (gnomAD). The available evidence is insufficient to determine the role of this variant in disease conclusively. Therefore, this variant is classified as a Variant of Uncertain Significance.

This study involves interpretation of variants in research participants for the purpose of population health screening. Participant phenotype was not available at the time of variant classification. Additional details can be found in publication PMID: 35346344, PMCID: PMC8962531